The following is an entry in ClinVar:

NM_182914.3(SYNE2):c.12885G>C (p.Glu4295Asp)

Gene: SYNE2 (spectrin repeat containing nuclear envelope protein 2; plus strand). Cytogenetic location: 14q23.2.
Variant type: single nucleotide variant.
Coding change: c.12885G>C on transcript NM_182914.3 (MANE Select); coding-DNA position 12885, G replaced by C.
Protein change: p.Glu4295Asp; replaces glutamic acid 4295 with aspartic acid.
Molecular consequence: missense variant.
Genome position (GRCh38, 1-based): chr14:64,119,471, G>C. VCF-style: chr14-64119471-G-C. GRCh37 (hg19) VCF-style: chr14-64586189-G-C.
Other names: c.12885G>C, p.Glu4295Asp (NM_015180.6); short protein forms E4295D.
Identifiers: ClinVar variation 4699174 (VCV004699174.1).

ClinVar aggregate classification (germline): Uncertain significance (1 of 4 stars; one submission).

Conditions:
Emery-Dreifuss muscular dystrophy 5, autosomal dominant (EDMD5). Also called: EMERY-DREIFUSS MUSCULAR DYSTROPHY 5. Identifiers: Orphanet 261, MedGen C2751805, MONDO:0013072, OMIM 612999.

gnomAD v4.1: 5 of 1,614,210 alleles (0.00031%); highest among the groups gnomAD compares: Non-Finnish European, 0.00034%; no homozygotes.

Submission:

Labcorp Genetics (formerly Invitae), Labcorp
Classification: Uncertain significance for Emery-Dreifuss muscular dystrophy 5, autosomal dominant. Last evaluated: 2025-03-19. Review status: criteria provided, single submitter. Criteria: Invitae Variant Classification Sherloc (09022015). Collection method: clinical testing. Allele origin: germline.
Comment: This sequence change replaces glutamic acid, which is acidic and polar, with aspartic acid, which is acidic and polar, at codon 4295 of the SYNE2 protein (p.Glu4295Asp). This variant is present in population databases (rs768003331, gnomAD 0.0009%). This variant has not been reported in the literature in individuals affected with SYNE2-related conditions. An algorithm developed to predict the effect of missense changes on protein structure and function outputs the following: PolyPhen-2: "Benign". The aspartic acid amino acid residue is found in multiple mammalian species, which suggests that this missense change does not adversely affect protein function. In summary, the available evidence is currently insufficient to determine the role of this variant in disease. Therefore, it has been classified as a Variant of Uncertain Significance.